The following is an entry in ClinVar:

NM_000500.9(CYP21A2):c.482T>C (p.Ile161Thr)

Genes: CYP21A2 (cytochrome P450 family 21 subfamily A member 2; plus strand), LOC106780800 (CYP21A2 recombination region; plus strand). Cytogenetic location: 6p21.33.
Variant type: single nucleotide variant.
Coding change: c.482T>C on transcript NM_000500.9 (MANE Select); coding-DNA position 482, T replaced by C.
Protein change: p.Ile161Thr; replaces isoleucine 161 with threonine.
Molecular consequence: missense variant.
Genome position (GRCh38, 1-based): chr6:32,039,390, T>C. VCF-style: chr6-32039390-T-C. GRCh37 (hg19) VCF-style: chr6-32007167-T-C.
Other names: c.392T>C, p.Ile131Thr (NM_001128590.4); c.77T>C, p.Ile26Thr (NM_001368143.2, NM_001368144.2); short protein forms I131T, I161T, I26T.
Identifiers: ClinVar variation 3251560 (VCV003251560.2), dbSNP rs2483321712.
Genomic context (GRCh38, chr6:32,039,390, plus strand): 5'-GCTGAACTCACACTGTTTCTCCACAGCGCATGAGAGCCCAGCCCGGCACCCCTGTGGCCA[T>C]TGAGGAGGAATTCTCTCTCCTCACCTGCAGCATCATCTGTTACCTCACCTTCGGAGACAA-3'
Protein context (NP_000491.4, residues 151-171): MRAQPGTPVA[Ile161Thr]EEEFSLLTCS

ClinVar aggregate classification (germline): Uncertain significance. Review status: criteria provided, multiple submitters, no conflicts (2 of 4 stars). 2 submissions from 2 submitters: Uncertain significance (2). Last evaluated 2024-04-03.

Submissions (2):

Women's Health and Genetics/Laboratory Corporation of America, LabCorp
Classification: Uncertain significance. Last evaluated: 2024-04-03. Review status: criteria provided, single submitter. Criteria: LabCorp Variant Classification Summary - May 2015. Collection method: clinical testing. Allele origin: germline.
Comment: Variant summary: CYP21A2 c.482T>C (p.Ile161Thr) results in a non-conservative amino acid change in the encoded protein sequence. Four of five in-silico tools predict a damaging effect of the variant on protein function. The variant was absent in 248176 control chromosomes (gnomAD). The available data on variant occurrences in the general population are insufficient to allow any conclusion about variant significance. c.482T>C has been reported in the literature in an individual affected with Congenital Adrenal Hyperplasia (Santos-Silva_2019). These data do not allow any conclusion about variant significance. To our knowledge, no experimental evidence demonstrating an impact on protein function has been reported. The following publication has been ascertained in the context of this evaluation (PMID: 30889569). No submitters have cited clinical-significance assessments for this variant to ClinVar. Based on the evidence outlined above, the variant was classified as uncertain significance.

Blueprint Genetics
Classification: Uncertain significance. Last evaluated: 2020-09-11. Review status: criteria provided, single submitter. Criteria: ACMG Guidelines, 2015. Collection method: clinical testing. Allele origin: germline.

Literature cited by the submitters: PubMed 30889569 (cited by Women's Health and Genetics/Laboratory Corporation of America, LabCorp).